The following is an entry in ClinVar:

NM_004370.6(COL12A1):c.7898T>C (p.Val2633Ala)

Gene: COL12A1 (collagen type XII alpha 1 chain; minus strand). Cytogenetic location: 6q13.
Variant type: single nucleotide variant.
Coding change: c.7898T>C on transcript NM_004370.6 (MANE Select); coding-DNA position 7898, T replaced by C.
Protein change: p.Val2633Ala; replaces valine 2633 with alanine.
Molecular consequence: missense variant.
Genome position (GRCh38, 1-based): chr6:75,113,256, A>G on the plus strand (T>C on the coding strand, the complement: COL12A1 is on the minus strand). VCF-style: chr6-75113256-A-G. GRCh37 (hg19) VCF-style: chr6-75822972-A-G.
Other names: p.Val2633Ala; c.4406T>C, p.Val1469Ala (NM_080645.3); short protein forms V2633A, V1469A.
Identifiers: ClinVar variation 259348 (VCV000259348.42), dbSNP rs200408101, ClinGen allele CA3892432.

ClinVar aggregate classification (germline): Conflicting classifications of pathogenicity. Review status: criteria provided, conflicting classifications (1 of 4 stars). 8 submissions from 8 submitters: Uncertain significance (2); Likely benign (6). Last evaluated 2026-02-02.

Conditions:
Ullrich congenital muscular dystrophy 2 (UCMD2). Identifiers: Orphanet 75840, MedGen C4225314, MONDO:0014654, OMIM 616470.
Bethlem myopathy 2 (BTHLM2). Identifiers: Orphanet 536516, Orphanet 610, MedGen C4225313, MONDO:0034022, OMIM 616471.

Allele frequency attached by ClinVar (database versions not stated): gnomAD exomes 0.00022 and 0.00035; ExAC 0.00044; ESP Exome Variant Server 0.00060; 1000 Genomes Project 0.00080; 1000 Genomes Project 30x 0.00094; gnomAD 0.00105 and 0.00111; TOPMed 0.00108.
gnomAD v4.1: 511 of 1,565,532 alleles (0.033%); highest among the groups gnomAD compares: African/African-American, 0.4%; 3 homozygotes.

Submissions (8):

Labcorp Genetics (formerly Invitae), Labcorp
Classification: Likely benign for Bethlem myopathy 2; Ullrich congenital muscular dystrophy 2. Last evaluated: 2026-02-02. Review status: criteria provided, single submitter. Criteria: Invitae Variant Classification Sherloc (09022015). Collection method: clinical testing. Allele origin: germline.

Mayo Clinic Laboratories, Mayo Clinic
Classification: Likely benign. Last evaluated: 2025-11-21. Review status: criteria provided, single submitter. Criteria: ACMG Guidelines, 2015. Collection method: clinical testing. Allele origin: germline. Observed: 5 variant alleles.
Comment: BS1, BP4

Women's Health and Genetics/Laboratory Corporation of America, LabCorp
Classification: Likely benign. Last evaluated: 2025-11-11. Review status: criteria provided, single submitter. Criteria: LabCorp Variant Classification Summary - May 2015. Collection method: clinical testing. Allele origin: germline.
Comment: Variant summary: COL12A1 c.7898T>C (p.Val2633Ala) results in a non-conservative amino acid change in the encoded protein sequence. Algorithms developed to predict the effect of missense changes on protein structure and function are either unavailable or do not agree on the potential impact of this missense change. The variant allele was found at a frequency of 0.00033 in 1565532 control chromosomes, predominantly at a frequency of 0.004 within the African or African-American subpopulation in the gnomAD database, including 2 homozygotes. The observed variant frequency within African or African-American control individuals in the gnomAD database exceeds the estimated maximal expected allele frequency for disease-causing variants in COL12A1. To our knowledge, no occurrence of c.7898T>C in individuals affected with COL12A1-related conditions and no experimental evidence demonstrating its impact on protein function have been reported. ClinVar contains an entry for this variant (Variation ID: 259348). Based on the evidence outlined above, the variant was classified as likely benign.

Blueprint Genetics
Classification: Uncertain significance. Last evaluated: 2024-11-08. Review status: criteria provided, single submitter. Criteria: ACMG Guidelines, 2015. Collection method: clinical testing. Allele origin: germline.

CeGaT Center for Human Genetics Tuebingen
Classification: Likely benign. Last evaluated: 2023-05-01. Review status: criteria provided, single submitter. Criteria: CeGaT Center For Human Genetics Tuebingen Variant Classification Criteria Version 2. Collection method: clinical testing. Allele origin: germline. Affected: yes. Observed: 1 variant allele.
Comment: COL12A1: BP4

GeneDx
Classification: Uncertain significance. Last evaluated: 2021-08-04. Review status: criteria provided, single submitter. Criteria: GeneDx Variant Classification Process June 2021. Collection method: clinical testing. Allele origin: germline. Affected: yes.
Comment: Has not been previously published as pathogenic or benign to our knowledge; In silico analysis supports that this missense variant has a deleterious effect on protein structure/function; Reported in ClinVar (ClinVar Variant ID# 259348; Landrum et al., 2016); This variant is associated with the following publications: (PMID: 26582918)

Laboratorio de Genetica e Diagnostico Molecular, Hospital Israelita Albert Einstein
Classification: Likely benign. Last evaluated: 2020-01-03. Review status: criteria provided, single submitter. Criteria: ACMG Guidelines, 2015. Collection method: clinical testing. Allele origin: germline. Affected: yes.
Comment: ACMG classification criteria: BS1, BP4

PreventionGenetics, part of Exact Sciences
Classification: Likely benign. Review status: criteria provided, single submitter. Criteria: ACMG Guidelines, 2015. Collection method: clinical testing. Allele origin: germline.